The following is an entry in ClinVar:

NM_001734.5(C1S):c.1309_1310del (p.Arg437fs)

Gene: C1S (complement C1s; plus strand). Cytogenetic location: 12p13.31.
Variant type: Microsatellite.
Coding change: c.1309_1310del on transcript NM_001734.5 (MANE Select); coding-DNA positions 1309 to 1310, 2 bases deleted (AG; older notation c.1309_1310delAG).
Protein change: p.Arg437fs; shifts the reading frame from arginine 437.
Molecular consequence: frameshift variant.
Genome position (GRCh38, 1-based): chr12:7,069,893-7,069,894, AG deleted; deleting any 2 consecutive bases within chr12:7,069,891-7,069,894 gives the same sequence; the c. name uses the placement nearest the transcript's 3' end. VCF-style (leftmost placement, unchanged base first): chr12-7069890-CAG-C. GRCh37 (hg19) VCF-style: chr12-7177194-CAG-C.
Other names: c.808_809del, p.Arg270fs (NM_001346850.2); c.1309_1310del, p.Arg437fs (NM_201442.4); short protein forms R270fs, R437fs.
Identifiers: ClinVar variation 1939145 (VCV001939145.6), dbSNP rs1391790248, ClinGen allele CA603140822.

ClinVar aggregate classification (germline): Pathogenic/Likely pathogenic. Review status: criteria provided, multiple submitters, no conflicts (2 of 4 stars). 2 submissions from 2 submitters: Pathogenic (1); Likely pathogenic (1). Last evaluated 2024-12-12.

Conditions:
Complement component C1s deficiency. Also called: C1s deficiency; Complement 1s deficiency. Identifiers: MedGen C3151078, MONDO:0013419, OMIM 613783.
Ehlers-Danlos syndrome, periodontal type 2. Identifiers: MedGen C4310681, MONDO:0014954, OMIM 617174.

Submissions (2):

Labcorp Genetics (formerly Invitae), Labcorp
Classification: Pathogenic. Last evaluated: 2024-12-12. Review status: criteria provided, single submitter. Criteria: Invitae Variant Classification Sherloc (09022015). Collection method: clinical testing. Allele origin: germline.
Comment: This sequence change creates a premature translational stop signal (p.Arg437Aspfs*10) in the C1S gene. While this is not anticipated to result in nonsense mediated decay, it is expected to disrupt the last 252 amino acid(s) of the C1S protein. This variant is present in population databases (no rsID available, gnomAD 0.0009%). This variant has not been reported in the literature in individuals affected with C1S-related conditions. This variant disrupts a region of the C1S protein in which other variant(s) (p.Glu597*) have been determined to be pathogenic (PMID: 9973493, 19155518). This suggests that this is a clinically significant region of the protein, and that variants that disrupt it are likely to be disease-causing. For these reasons, this variant has been classified as Pathogenic.

Fulgent Genetics
Classification: Likely pathogenic for Complement component C1s deficiency; Ehlers-Danlos syndrome, periodontal type 2. Last evaluated: 2024-03-26. Review status: criteria provided, single submitter. Criteria: ACMG Guidelines, 2015. Collection method: clinical testing. Allele origin: germline.

Literature cited by the submitters: PubMed 9973493 (cited by Labcorp Genetics (formerly Invitae), Labcorp); PubMed 19155518 (cited by Labcorp Genetics (formerly Invitae), Labcorp).